The following is an entry in ClinVar:

NM_014639.4(SKIC3):c.767A>G (p.Glu256Gly)

Gene: SKIC3 (SKI3 subunit of superkiller complex; minus strand). Cytogenetic location: 5q15.
Variant type: single nucleotide variant.
Coding change: c.767A>G on transcript NM_014639.4 (MANE Select); coding-DNA position 767, A replaced by G.
Protein change: p.Glu256Gly; replaces glutamic acid 256 with glycine.
Molecular consequence: missense variant.
Genome position (GRCh38, 1-based): chr5:95,530,214, T>C on the plus strand (A>G on the coding strand, the complement: SKIC3 is on the minus strand). VCF-style: chr5-95530214-T-C. GRCh37 (hg19) VCF-style: chr5-94865918-T-C.
Other names: short protein forms E256G.
Identifiers: ClinVar variation 1896749 (VCV001896749.3), dbSNP rs781133731, ClinGen allele CA3347531.
Genomic context (GRCh38, chr5:95,530,214, plus strand): 5'-ATGAGGCCTGGACCACTTTTTGAATCCATTTCCACTAATCTACAACAATACTGCTGCCCC[T>C]CATCAGTAAGATTTCCTGGAATTAAAAGGAAAGGTTATTAGTATACATATATCGAGTTTC-3'
Protein context (NP_055454.1, residues 246-266): HLIESGNLTD[Glu256Gly]GQQYCCRLVE

ClinVar aggregate classification (germline): Uncertain significance. Review status: criteria provided, multiple submitters, no conflicts (2 of 4 stars). 2 submissions from 2 submitters: Uncertain significance (2). Last evaluated 2025-12-09.

Conditions:
Inborn genetic diseases. Identifiers: MedGen C0950123, MeSH D030342.

Allele frequency attached by ClinVar (database versions not stated): ExAC 0.00001; gnomAD exomes below 0.00001; gnomAD 0.00001; TOPMed 0.00001.
gnomAD v4.1: 7 of 1,613,268 alleles (0.00043%); highest among the groups gnomAD compares: Non-Finnish European, 0.00059%; no homozygotes.

Submissions (2):

Ambry Genetics
Classification: Uncertain significance for Inborn genetic diseases. Last evaluated: 2025-12-09. Review status: criteria provided, single submitter. Criteria: Ambry Variant Classification Scheme 2023. Collection method: clinical testing. Allele origin: germline.

Labcorp Genetics (formerly Invitae), Labcorp
Classification: Uncertain significance. Last evaluated: 2022-06-08. Review status: criteria provided, single submitter. Criteria: Invitae Variant Classification Sherloc (09022015). Collection method: clinical testing. Allele origin: germline.
Comment: This sequence change replaces glutamic acid, which is acidic and polar, with glycine, which is neutral and non-polar, at codon 256 of the TTC37 protein (p.Glu256Gly). This variant is present in population databases (rs781133731, gnomAD 0.002%). This variant has not been reported in the literature in individuals affected with TTC37-related conditions. Algorithms developed to predict the effect of missense changes on protein structure and function are either unavailable or do not agree on the potential impact of this missense change (SIFT: "Deleterious"; PolyPhen-2: "Possibly Damaging"; Align-GVGD: "Class C0"). In summary, the available evidence is currently insufficient to determine the role of this variant in disease. Therefore, it has been classified as a Variant of Uncertain Significance.